The following is an entry in ClinVar:

NM_025137.4(SPG11):c.1249C>T (p.His417Tyr)

Gene: SPG11 (SPG11 vesicle trafficking associated, spatacsin; minus strand). Cytogenetic location: 15q21.1.
Variant type: single nucleotide variant.
Coding change: c.1249C>T on transcript NM_025137.4 (MANE Select); coding-DNA position 1249, C replaced by T.
Protein change: p.His417Tyr; replaces histidine 417 with tyrosine.
Molecular consequence: missense variant.
Genome position (GRCh38, 1-based): chr15:44,651,698, G>A on the plus strand (C>T on the coding strand, the complement: SPG11 is on the minus strand). VCF-style: chr15-44651698-G-A. GRCh37 (hg19) VCF-style: chr15-44943896-G-A.
Other names: p.His417Tyr; c.1249C>T, p.His417Tyr (NM_001160227.2, NM_001411132.1); short protein forms H417Y.
Identifiers: ClinVar variation 3380280 (VCV003380280.1).

ClinVar aggregate classification (germline): Uncertain significance (1 of 4 stars; one submission).

gnomAD v4.1: 1 of 1,614,166 alleles (0.000062%); highest among the groups gnomAD compares: East Asian, 0.0022%; no homozygotes.

Submission:

Mayo Clinic Laboratories, Mayo Clinic
Classification: Uncertain significance. Last evaluated: 2024-03-29. Review status: criteria provided, single submitter. Criteria: ACMG Guidelines, 2015. Collection method: clinical testing. Allele origin: germline. Observed: 2 variant alleles.
Comment: BP4

Literature cited by the submitters: PubMed 32166880.